The following is an entry in ClinVar:

NM_000179.3(MSH6):c.4002-18_4002-4del

Gene: MSH6 (mutS homolog 6; plus strand). Cytogenetic location: 2p16.3.
Variant type: Deletion.
Coding change: c.4002-18_4002-4del on transcript NM_000179.3 (MANE Select); 18 bases into the intron before coding-DNA position 4002 through 4 bases into the intron before coding-DNA position 4002, 15 bases deleted (TTTTTTTTTAATTTT).
Molecular consequence: intron variant.
Genome position (GRCh38, 1-based): chr2:47,806,761-47,806,775, TTTTTTTTTAATTTT deleted; deleting any 15 consecutive bases within chr2:47,806,757-47,806,775 gives the same sequence; the c. name uses the placement nearest the transcript's 3' end. VCF-style (leftmost placement, unchanged base first): chr2-47806756-TTTTTTTTTTTTTTAA-T. GRCh37 (hg19) VCF-style: chr2-48033895-TTTTTTTTTTTTTTAA-T.
Other names: c.3096-18_3096-4del (NM_001281493.2, NM_001281494.2); c.3612-18_3612-4del (NM_001281492.2).
Identifiers: ClinVar variation 2031555 (VCV002031555.4), dbSNP rs2530888278, ClinGen allele CA2580067577.
Genomic context (GRCh38, chr2:47,806,756, plus strand): 5'-TTTCAAAGAAACAGTAAAAGGGGAAGGGATGATGCACTATGAAAAAACAAAAAAACTTTT[TTTTTTTTTTTTTTAA>T]TTTTAAGGGAAGTTTGCCTGGCTAGTGAAAGGTCAACTGTAGATGCTGAAGCTGTCCATA-3'

ClinVar aggregate classification (germline): Uncertain significance (1 of 4 stars; one submission).

Conditions:
Hereditary nonpolyposis colorectal neoplasms. Identifiers: MedGen C0009405, MeSH D003123.

Submission:

Labcorp Genetics (formerly Invitae), Labcorp
Classification: Uncertain significance for Hereditary nonpolyposis colorectal neoplasms. Last evaluated: 2024-10-24. Review status: criteria provided, single submitter. Criteria: Invitae Variant Classification Sherloc (09022015). Collection method: clinical testing. Allele origin: germline.
Comment: This sequence change falls in intron 9 of the MSH6 gene. It does not directly change the encoded amino acid sequence of the MSH6 protein. This variant is not present in population databases (gnomAD no frequency). This variant has not been reported in the literature in individuals affected with MSH6-related conditions. ClinVar contains an entry for this variant (Variation ID: 2031555). In summary, the available evidence is currently insufficient to determine the role of this variant in disease. Therefore, it has been classified as a Variant of Uncertain Significance.